The following is an entry in ClinVar:

NM_003079.5(SMARCE1):c.1126A>C (p.Ser376Arg)

Gene: SMARCE1 (SWI/SNF related BAF chromatin remodeling complex subunit E1; minus strand). Cytogenetic location: 17q21.2.
Variant type: single nucleotide variant.
Coding change: c.1126A>C on transcript NM_003079.5 (MANE Select); coding-DNA position 1126, A replaced by C.
Protein change: p.Ser376Arg; replaces serine 376 with arginine.
Molecular consequence: missense variant.
Genome position (GRCh38, 1-based): chr17:40,628,895, T>G on the plus strand (A>C on the coding strand, the complement: SMARCE1 is on the minus strand). VCF-style: chr17-40628895-T-G. GRCh37 (hg19) VCF-style: chr17-38785147-T-G.
Other names: short protein forms S376R.
Identifiers: ClinVar variation 1519009 (VCV001519009.6), dbSNP rs2037061648, ClinGen allele CA399361266.

ClinVar aggregate classification (germline): Uncertain significance (1 of 4 stars; one submission).

Conditions:
Familial meningioma. Also called: Meningioma, familial, susceptibility to. Identifiers: Orphanet 263662, MedGen C3551915, MONDO:0011789, OMIM 607174.

Submission:

Labcorp Genetics (formerly Invitae), Labcorp
Classification: Uncertain significance for Familial meningioma. Last evaluated: 2024-08-24. Review status: criteria provided, single submitter. Criteria: Invitae Variant Classification Sherloc (09022015). Collection method: clinical testing. Allele origin: germline.
Comment: This sequence change replaces serine, which is neutral and polar, with arginine, which is basic and polar, at codon 376 of the SMARCE1 protein (p.Ser376Arg). This variant is not present in population databases (gnomAD no frequency). This variant has not been reported in the literature in individuals affected with SMARCE1-related conditions. ClinVar contains an entry for this variant (Variation ID: 1519009). Invitae Evidence Modeling of protein sequence and biophysical properties (such as structural, functional, and spatial information, amino acid conservation, physicochemical variation, residue mobility, and thermodynamic stability) indicates that this missense variant is not expected to disrupt SMARCE1 protein function with a negative predictive value of 80%. In summary, the available evidence is currently insufficient to determine the role of this variant in disease. Therefore, it has been classified as a Variant of Uncertain Significance.